The following is an entry in ClinVar:

ClinVar aggregate classification (germline): Uncertain significance (1 of 4 stars; one submission).

Conditions:
Combined oxidative phosphorylation defect type 14. Also called: Combined oxidative phosphorylation deficiency 14. Identifiers: Orphanet 319519, MedGen C4755312, MONDO:0013986, OMIM 614946.

Submission:

Labcorp Genetics (formerly Invitae), Labcorp
Classification: Uncertain significance for Combined oxidative phosphorylation defect type 14. Last evaluated: 2021-08-24. Review status: criteria provided, single submitter. Criteria: Invitae Variant Classification Sherloc (09022015). Collection method: clinical testing. Allele origin: germline.
Comment: This sequence change replaces alanine with threonine at codon 320 of the FARS2 protein (p.Ala320Thr). The alanine residue is moderately conserved and there is a small physicochemical difference between alanine and threonine. This variant is not present in population databases (ExAC no frequency). This variant has not been reported in the literature in individuals affected with FARS2-related conditions. Algorithms developed to predict the effect of missense changes on protein structure and function are either unavailable or do not agree on the potential impact of this missense change (SIFT: "Deleterious"; PolyPhen-2: "Probably Damaging"; Align-GVGD: "Class C0"). In summary, the available evidence is currently insufficient to determine the role of this variant in disease. Therefore, it has been classified as a Variant of Uncertain Significance.

NM_006567.5(FARS2):c.958G>A (p.Ala320Thr)

Gene: FARS2 (phenylalanyl-tRNA synthetase 2, mitochondrial; plus strand). Cytogenetic location: 6p25.1.
Variant type: single nucleotide variant.
Coding change: c.958G>A on transcript NM_006567.5 (MANE Select); coding-DNA position 958, G replaced by A.
Protein change: p.Ala320Thr; replaces alanine 320 with threonine.
Molecular consequence: missense variant.
Genome position (GRCh38, 1-based): chr6:5,545,233, G>A. VCF-style: chr6-5545233-G-A. GRCh37 (hg19) VCF-style: chr6-5545466-G-A.
Other names: c.958G>A, p.Ala320Thr (NM_001318872.2, NM_001374875.1, NM_001374876.1 and 4 more transcripts); c.826G>A, p.Ala276Thr (NM_001375258.1); c.262G>A, p.Ala88Thr (NM_001375259.1, NM_001375260.1); short protein forms A276T, A88T, A320T.
Identifiers: ClinVar variation 841051 (VCV000841051.7), dbSNP rs767870566, ClinGen allele CA362736481.
Genomic context (GRCh38, chr6:5,545,233, plus strand): 5'-ATCACAGCTGGTGCTCAAGACCGAATCGGCTGGGCTTTTGGCCTAGGATTAGAAAGGCTA[G>A]CCATGATCCTCTACGACATCCCTGATATCCGTCTCTTCTGGTGTGAGGACGAGCGCTTCC-3'
Protein context (NP_006558.1, residues 310-330): WAFGLGLERL[Ala320Thr]MILYDIPDIR